The following is an entry in ClinVar:

ClinVar aggregate classification (germline): Uncertain significance. Review status: criteria provided, multiple submitters, no conflicts (2 of 4 stars). 2 submissions from 2 submitters: Uncertain significance (2). Last evaluated 2025-10-21.

Conditions:
Mitochondrial complex II deficiency, nuclear type 1. Also called: SUCCINATE CoQ REDUCTASE DEFICIENCY. Identifiers: Orphanet 3208, MedGen C5700310, MONDO:0100294, OMIM 252011.
Pheochromocytoma/paraganglioma syndrome 5. Also called: Paragangliomas 5; SDHA-Related Hereditary Paraganglioma-Pheochromocytoma Syndrome. Identifiers: Orphanet 29072, MedGen C3279992, MONDO:0013602, OMIM 614165.
Hereditary cancer-predisposing syndrome. Also called: Neoplastic Syndromes, Hereditary; Tumor predisposition; Hereditary Cancer Syndrome; Hereditary neoplastic syndrome. Identifiers: Orphanet 140162, MedGen C0027672, MeSH D009386, MONDO:0015356.

Submissions (2):

Ambry Genetics
Classification: Uncertain significance for Hereditary cancer-predisposing syndrome. Last evaluated: 2025-10-21. Review status: criteria provided, single submitter. Criteria: Ambry Variant Classification Scheme 2023. Collection method: clinical testing. Allele origin: germline.
Comment: The p.R14P variant (also known as c.41G>C), located in coding exon 1 of the SDHA gene, results from a G to C substitution at nucleotide position 41. The arginine at codon 14 is replaced by proline, an amino acid with dissimilar properties. This amino acid position is conserved. In addition, this alteration is predicted to be tolerated by in silico analysis. Based on the available evidence, the clinical significance of this variant remains unclear.

Labcorp Genetics (formerly Invitae), Labcorp
Classification: Uncertain significance for Pheochromocytoma/paraganglioma syndrome 5; Mitochondrial complex II deficiency, nuclear type 1. Last evaluated: 2024-06-24. Review status: criteria provided, single submitter. Criteria: Invitae Variant Classification Sherloc (09022015). Collection method: clinical testing. Allele origin: germline.
Comment: This sequence change replaces arginine, which is basic and polar, with proline, which is neutral and non-polar, at codon 14 of the SDHA protein (p.Arg14Pro). This variant is not present in population databases (gnomAD no frequency). This variant has not been reported in the literature in individuals affected with SDHA-related conditions. ClinVar contains an entry for this variant (Variation ID: 2452799). Advanced modeling of protein sequence and biophysical properties (such as structural, functional, and spatial information, amino acid conservation, physicochemical variation, residue mobility, and thermodynamic stability) performed at Invitae indicates that this missense variant is not expected to disrupt SDHA protein function with a negative predictive value of 95%. In summary, the available evidence is currently insufficient to determine the role of this variant in disease. Therefore, it has been classified as a Variant of Uncertain Significance.

NM_004168.4(SDHA):c.41G>C (p.Arg14Pro)

Gene: SDHA (succinate dehydrogenase complex flavoprotein subunit A; plus strand). Cytogenetic location: 5p15.33.
Variant type: single nucleotide variant.
Coding change: c.41G>C on transcript NM_004168.4 (MANE Select); coding-DNA position 41, G replaced by C.
Protein change: p.Arg14Pro; replaces arginine 14 with proline.
Molecular consequence: missense variant.
Genome position (GRCh38, 1-based): chr5:218,396, G>C. VCF-style: chr5-218396-G-C. GRCh37 (hg19) VCF-style: chr5-218511-G-C.
Other names: c.41G>C, p.Arg14Pro (NM_001294332.2, NM_001330758.2); short protein forms R14P.
Identifiers: ClinVar variation 2452799 (VCV002452799.5), dbSNP rs2477252209, ClinGen allele CA359007369.